The following is an entry in ClinVar:

NM_020919.4(ALS2):c.2108G>C (p.Arg703Thr)

Gene: ALS2 (alsin Rho guanine nucleotide exchange factor ALS2; minus strand). Cytogenetic location: 2q33.1.
Variant type: single nucleotide variant.
Coding change: c.2108G>C on transcript NM_020919.4 (MANE Select); coding-DNA position 2108, G replaced by C.
Protein change: p.Arg703Thr; replaces arginine 703 with threonine.
Molecular consequence: missense variant.
Genome position (GRCh38, 1-based): chr2:201,744,320, C>G on the plus strand (G>C on the coding strand, the complement: ALS2 is on the minus strand). VCF-style: chr2-201744320-C-G. GRCh37 (hg19) VCF-style: chr2-202609043-C-G.
Other names: short protein forms R703T.
Identifiers: ClinVar variation 446820 (VCV000446820.8), dbSNP rs770565853, ClinGen allele CA2058281.
Genomic context (GRCh38, chr2:201,744,320, plus strand): 5'-AAACTGAGAAGAGGCCTGAGAATCTGAGATTTGATATCACTTAGTTTTGAATAGAATCGT[C>G]TTTCTGTAGTAGCTAACTCGTGGAGACTGGCAATATACCCCATAATGTTTTTATCCACCA-3'
Protein context (NP_065970.2, residues 693-713): ASLHELATTE[Arg703Thr]RFYSKLSDIK

ClinVar aggregate classification (germline): Uncertain significance. Review status: criteria provided, multiple submitters, no conflicts (2 of 4 stars). 4 submissions from 4 submitters: Uncertain significance (4). Last evaluated 2025-02-15.

Conditions:
Inborn genetic diseases. Identifiers: MedGen C0950123, MeSH D030342.
Infantile-onset ascending hereditary spastic paralysis (IAHSP). Also called: Infantile-Onset Ascending Hereditary Spastic Paralysis (IAHSP); Autosomal Recessive Juvenile Amyotrophic Lateral Sclerosis. Identifiers: Orphanet 293168, MedGen C2931441, MONDO:0011797, OMIM 607225. Disease mechanism: loss of function.

Allele frequency attached by ClinVar (database versions not stated): TOPMed 0.00002; ExAC 0.00002; gnomAD exomes 0.00004 and 0.00001; gnomAD 0.00001.

Submissions (4):

GeneDx
Classification: Uncertain significance. Last evaluated: 2025-02-15. Review status: criteria provided, single submitter. Criteria: GeneDx Variant Classification Process June 2021. Collection method: clinical testing. Allele origin: germline.
Comment: Not observed at significant frequency in large population cohorts (gnomAD); In silico analysis supports that this missense variant has a deleterious effect on protein structure/function; Has not been previously published as pathogenic or benign to our knowledge

Ambry Genetics
Classification: Uncertain significance for Inborn genetic diseases. Last evaluated: 2022-08-01. Review status: criteria provided, single submitter. Criteria: Ambry Variant Classification Scheme 2023. Collection method: clinical testing. Allele origin: germline.

Labcorp Genetics (formerly Invitae), Labcorp
Classification: Uncertain significance for Infantile-onset ascending hereditary spastic paralysis. Last evaluated: 2021-11-30. Review status: criteria provided, single submitter. Criteria: Invitae Variant Classification Sherloc (09022015). Collection method: clinical testing. Allele origin: germline.
Comment: This variant has not been reported in the literature in individuals affected with ALS2-related conditions. In summary, the available evidence is currently insufficient to determine the role of this variant in disease. Therefore, it has been classified as a Variant of Uncertain Significance. Algorithms developed to predict the effect of missense changes on protein structure and function are either unavailable or do not agree on the potential impact of this missense change (SIFT: "Deleterious"; PolyPhen-2: "Probably Damaging"; Align-GVGD: "Class C0"). ClinVar contains an entry for this variant (Variation ID: 446820). This variant is present in population databases (rs770565853, gnomAD 0.003%). This sequence change replaces arginine, which is basic and polar, with threonine, which is neutral and polar, at codon 703 of the ALS2 protein (p.Arg703Thr).

Athena Diagnostics
Classification: Uncertain significance. Last evaluated: 2016-09-02. Review status: criteria provided, single submitter. Criteria: Athena Diagnostics Criteria. Collection method: clinical testing. Allele origin: germline.